The following is an entry in ClinVar:

ClinVar aggregate classification (germline): Uncertain significance. Review status: criteria provided, multiple submitters, no conflicts (2 of 4 stars). 5 submissions from 5 submitters: Uncertain significance (5). Last evaluated 2025-01-11.

Conditions:
Hereditary cancer-predisposing syndrome. Also called: Tumor predisposition; Hereditary Cancer Syndrome; Hereditary neoplastic syndrome; Neoplastic Syndromes, Hereditary. Identifiers: Orphanet 140162, MedGen C0027672, MeSH D009386, MONDO:0015356.
Hereditary leiomyomatosis and renal cell cancer. Also called: LEIOMYOMA, MULTIPLE CUTANEOUS; Reed syndrome; Multiple cutaneous and uterine leiomyomatosis; Cutaneous leiomyomata with uterine leiomyomata; Leiomyoma, hereditary multiple, of skin; Multiple cutaneous and uterine leiomyomata. Identifiers: Orphanet 523, MedGen C1708350, MONDO:0007888, OMIM 150800, HP:0007437. Disease mechanism: loss of function.
Fumarase deficiency (FMRD). Also called: Fumaric aciduria; Fumarate Hydratase Deficiency. Identifiers: Orphanet 24, MedGen C0342770, MONDO:0011730, OMIM 606812.

Allele frequency attached by ClinVar (database versions not stated): gnomAD exomes below 0.00001; TOPMed 0.00001.
gnomAD v4.1: 2 of 1,613,770 alleles (0.00012%); highest among the groups gnomAD compares: Non-Finnish European, 0.000085%; no homozygotes.

Submissions (5):

Labcorp Genetics (formerly Invitae), Labcorp
Classification: Uncertain significance. Last evaluated: 2025-01-11. Review status: criteria provided, single submitter. Criteria: Invitae Variant Classification Sherloc (09022015). Collection method: clinical testing. Allele origin: germline.
Comment: This sequence change replaces histidine, which is basic and polar, with asparagine, which is neutral and polar, at codon 204 of the FH protein (p.His204Asn). This variant is not present in population databases (gnomAD no frequency). This variant has not been reported in the literature in individuals affected with FH-related conditions. ClinVar contains an entry for this variant (Variation ID: 214409). Invitae Evidence Modeling of protein sequence and biophysical properties (such as structural, functional, and spatial information, amino acid conservation, physicochemical variation, residue mobility, and thermodynamic stability) indicates that this missense variant is not expected to disrupt FH protein function with a negative predictive value of 95%. In summary, the available evidence is currently insufficient to determine the role of this variant in disease. Therefore, it has been classified as a Variant of Uncertain Significance.

Baylor Genetics
Classification: Uncertain significance for Fumarase deficiency. Last evaluated: 2023-12-29. Review status: criteria provided, single submitter. Criteria: ACMG Guidelines, 2015. Collection method: clinical testing. Allele origin: unknown.

Ambry Genetics
Classification: Uncertain significance for Hereditary cancer-predisposing syndrome. Last evaluated: 2023-09-20. Review status: criteria provided, single submitter. Criteria: Ambry Variant Classification Scheme 2023. Collection method: clinical testing. Allele origin: germline.
Comment: The p.H204N variant (also known as c.610C>A), located in coding exon 5 of the FH gene, results from a C to A substitution at nucleotide position 610. The histidine at codon 204 is replaced by asparagine, an amino acid with similar properties. This amino acid position is well conserved in available vertebrate species. In addition, the in silico prediction for this alteration is inconclusive. Since supporting evidence is limited at this time, the clinical significance of this alteration remains unclear.

Department of Pathology and Laboratory Medicine, Sinai Health System
Classification: Uncertain significance for Hereditary leiomyomatosis and renal cell cancer; Fumarase deficiency. Last evaluated: 2023-04-28. Review status: criteria provided, single submitter. Criteria: ACMG Guidelines, 2015. Collection method: clinical testing. Allele origin: germline. Affected: yes.

GeneDx
Classification: Uncertain significance. Last evaluated: 2014-11-14. Review status: criteria provided, single submitter. Criteria: GeneDx Variant Classification (06012015). Collection method: clinical testing. Allele origin: germline. Affected: yes.
Comment: p.His204Asn (CAT>AAT): c.610 C>A in exon 5 of the FH gene (NM_000143.3). The H204N variant has not been published as a mutation, nor has it been reported as a benign polymorphism to our knowledge. The H204N variant was not observed in approximately 6,500 individuals of European and African American ancestry in the NHLBI Exome Sequencing Project, indicating it is not a common benign variant in these populations. The H204N variant is a semi-conservative amino acid substitution, which may impact secondary protein structure as these residues differ in some properties. This substitution occurs at a position that is conserved across species. In silico analysis is inconsistent in its predictions as to whether or not the variant is damaging to the protein structure/function. Missense mutations in nearby residues (A194T, M195V, M195T, H196R, L211P) have been reported in association with hereditary leiomyomatosis and renal cell cancer (HLRCC), supporting the functional importance of this region of the protein. Therefore, based on the currently available information, it is unclear whether this variant is a pathogenic mutation or a rare benign variant. The variant is found in MITONUC-MITOP panel(s).

NM_000143.4(FH):c.610C>A (p.His204Asn)

Gene: FH (fumarate hydratase; minus strand). Cytogenetic location: 1q43.
Variant type: single nucleotide variant.
Coding change: c.610C>A on transcript NM_000143.4 (MANE Select); coding-DNA position 610, C replaced by A.
Protein change: p.His204Asn; replaces histidine 204 with asparagine.
Molecular consequence: missense variant.
Genome position (GRCh38, 1-based): chr1:241,508,731, G>T on the plus strand (C>A on the coding strand, the complement: FH is on the minus strand). VCF-style: chr1-241508731-G-T. GRCh37 (hg19) VCF-style: chr1-241672031-G-T.
Other names: p.H204N:CAT>AAT; short protein forms H204N.
Identifiers: ClinVar variation 214409 (VCV000214409.13), dbSNP rs863223996, ClinGen allele CA321226.